The following is an entry in ClinVar:

NM_003620.4(PPM1D):c.1615G>T (p.Glu539Ter)

Gene: PPM1D (protein phosphatase, Mg2+/Mn2+ dependent 1D; plus strand). Cytogenetic location: 17q23.2.
Variant type: single nucleotide variant.
Coding change: c.1615G>T on transcript NM_003620.4 (MANE Select); coding-DNA position 1615, G replaced by T.
Protein change: p.Glu539Ter; replaces glutamic acid 539 with a stop codon.
Molecular consequence: nonsense.
Genome position (GRCh38, 1-based): chr17:60,663,349, G>T. VCF-style: chr17-60663349-G-T. GRCh37 (hg19) VCF-style: chr17-58740710-G-T.
Other names: short protein forms E539*.
Identifiers: ClinVar variation 2572718 (VCV002572718.2), dbSNP rs1254993767, ClinGen allele CA400458556.

ClinVar aggregate classification (germline): Conflicting classifications of pathogenicity. Review status: criteria provided, conflicting classifications (1 of 4 stars). 2 submissions from 2 submitters: Likely pathogenic (1); Uncertain significance (1). Last evaluated 2025-09-01.

Conditions:
Intellectual developmental disorder with gastrointestinal difficulties and high pain threshold (JDVS). Also called: JANSEN-DE VRIES SYNDROME. Identifiers: Orphanet 653767, MedGen C4479517, MONDO:0044318, OMIM 617450.

Allele frequency attached by ClinVar (database versions not stated): gnomAD exomes below 0.00001.
gnomAD v4.1: 2 of 1,614,154 alleles (0.00012%); highest among the groups gnomAD compares: Non-Finnish European, 0.00017%; no homozygotes.

Submissions (2):

Clinical Genomics Laboratory, Washington University in St. Louis
Classification: Likely pathogenic for Intellectual developmental disorder with gastrointestinal difficulties and high pain threshold. Last evaluated: 2025-09-01. Review status: criteria provided, single submitter. Criteria: ACMG Guidelines, 2015. Collection method: clinical testing. Allele origin: germline. Affected: yes.
Comment: The PPM1D c.1615G>T (p.Glu539*) variant, to our knowledge, has not been reported in the medical literature. This variant leads to a premature termination codon; however, because this occurs in the last exon, it is not predicted to lead to nonsense-mediated decay. This variant has been reported in the ClinVar database as a germline variant of uncertain significance by one submitter. It is observed in only 1/251,280 alleles in the general population (gnomAD v.2.1.1), indicating it is not a common variant. This is a truncating variant in the last exon of PPM1D, where, along with the penultimate exon, all disease-causing variants in the initial cohort were found, which is defined as a disease mechanism for this phenotype (Wojcik MH et al., PMID: 37183572). Based on available information and the ACMG/AMP guidelines for variant interpretation (Richards S et al., PMID: 25741868), this variant is classified as likely pathogenic.

GeneDx
Classification: Uncertain significance. Last evaluated: 2023-01-16. Review status: criteria provided, single submitter. Criteria: GeneDx Variant Classification Process June 2021. Collection method: clinical testing. Allele origin: germline. Affected: yes.
Comment: Nonsense variant predicted to result in protein truncation, as the last 67 amino acids are lost; Has not been previously published as pathogenic or benign to our knowledge